The following is an entry in ClinVar:

NM_138773.4(SLC25A46):c.1234A>G (p.Thr412Ala)

Gene: SLC25A46 (solute carrier family 25 member 46; plus strand). Cytogenetic location: 5q22.1.
Variant type: single nucleotide variant.
Coding change: c.1234A>G on transcript NM_138773.4 (MANE Select); coding-DNA position 1234, A replaced by G.
Protein change: p.Thr412Ala; replaces threonine 412 with alanine.
Molecular consequence: missense variant. On other transcripts: non-coding transcript variant (1).
Genome position (GRCh38, 1-based): chr5:110,761,759, A>G. VCF-style: chr5-110761759-A-G. GRCh37 (hg19) VCF-style: chr5-110097459-A-G.
Other names: c.991A>G, p.Thr331Ala (NM_001303249.3); c.961A>G, p.Thr321Ala (NM_001303250.3); short protein forms T321A, T412A, T331A.
Identifiers: ClinVar variation 2146529 (VCV002146529.4), dbSNP rs1166684796, ClinGen allele CA360697909.

ClinVar aggregate classification (germline): Uncertain significance (1 of 4 stars; one submission).

Conditions:
Neuropathy, hereditary motor and sensory, type 6B (HMSN6B). Also called: Neuropathy, hereditary motor and sensory, type VIB; NEUROPATHY, HEREDITARY MOTOR AND SENSORY, TYPE VIB, WITH OPTIC ATROPHY; HMSN VIB; CHARCOT-MARIE-TOOTH DISEASE, TYPE 6B. Identifiers: MedGen C4225302, MONDO:0014671, OMIM 616505.

Allele frequency attached by ClinVar (database versions not stated): gnomAD exomes below 0.00001; TOPMed below 0.00001.
gnomAD v4.1: 1 of 1,610,352 alleles (0.000062%); highest among the groups gnomAD compares: African/African-American, 0.0013%; no homozygotes.

Submission:

Labcorp Genetics (formerly Invitae), Labcorp
Classification: Uncertain significance for Neuropathy, hereditary motor and sensory, type 6B. Last evaluated: 2022-03-18. Review status: criteria provided, single submitter. Criteria: Invitae Variant Classification Sherloc (09022015). Collection method: clinical testing. Allele origin: germline.
Comment: This sequence change replaces threonine, which is neutral and polar, with alanine, which is neutral and non-polar, at codon 412 of the SLC25A46 protein (p.Thr412Ala). This variant is present in population databases (no rsID available, gnomAD 0.007%). This variant has not been reported in the literature in individuals affected with SLC25A46-related conditions. Algorithms developed to predict the effect of missense changes on protein structure and function output the following: SIFT: "Tolerated"; PolyPhen-2: "Benign"; Align-GVGD: "Class C0". The alanine amino acid residue is found in multiple mammalian species, which suggests that this missense change does not adversely affect protein function. In summary, the available evidence is currently insufficient to determine the role of this variant in disease. Therefore, it has been classified as a Variant of Uncertain Significance.